The following is an entry in ClinVar:

ClinVar aggregate classification (germline): Uncertain significance (1 of 4 stars; one submission).

Conditions:
Oligodontia-cancer predisposition syndrome. Also called: TOOTH AGENESIS-COLORECTAL CANCER SYNDROME. Identifiers: Orphanet 300576, MedGen C1837750, MONDO:0012075, OMIM 608615. Disease mechanism: loss of function.

Submission:

Labcorp Genetics (formerly Invitae), Labcorp
Classification: Uncertain significance for Oligodontia-cancer predisposition syndrome. Last evaluated: 2025-08-29. Review status: criteria provided, single submitter. Criteria: Invitae Variant Classification Sherloc (09022015). Collection method: clinical testing. Allele origin: germline.
Comment: This sequence change replaces valine, which is neutral and non-polar, with leucine, which is neutral and non-polar, at codon 200 of the AXIN2 protein (p.Val200Leu). This variant is not present in population databases (gnomAD no frequency). This variant has not been reported in the literature in individuals affected with AXIN2-related conditions. Invitae Evidence Modeling of protein sequence and biophysical properties (such as structural, functional, and spatial information, amino acid conservation, physicochemical variation, residue mobility, and thermodynamic stability) indicates that this missense variant is not expected to disrupt AXIN2 protein function with a negative predictive value of 80%. In summary, the available evidence is currently insufficient to determine the role of this variant in disease. Therefore, it has been classified as a Variant of Uncertain Significance.

NM_004655.4(AXIN2):c.598G>T (p.Val200Leu)

Gene: AXIN2 (axin 2; minus strand). Cytogenetic location: 17q24.1.
Variant type: single nucleotide variant.
Coding change: c.598G>T on transcript NM_004655.4 (MANE Select); coding-DNA position 598, G replaced by T.
Protein change: p.Val200Leu; replaces valine 200 with leucine.
Molecular consequence: missense variant.
Genome position (GRCh38, 1-based): chr17:65,558,023, C>A on the plus strand (G>T on the coding strand, the complement: AXIN2 is on the minus strand). VCF-style: chr17-65558023-C-A. GRCh37 (hg19) VCF-style: chr17-63554141-C-A.
Other names: c.598G>T, p.Val200Leu (NM_001363813.1); short protein forms V200L.
Identifiers: ClinVar variation 4769427 (VCV004769427.1).